The following is an entry in ClinVar:

NM_182760.4(SUMF1):c.284C>T (p.Pro95Leu)

Gene: SUMF1 (sulfatase modifying factor 1; minus strand). Cytogenetic location: 3p26.1.
Variant type: single nucleotide variant.
Coding change: c.284C>T on transcript NM_182760.4 (MANE Select); coding-DNA position 284, C replaced by T.
Protein change: p.Pro95Leu; replaces proline 95 with leucine.
Molecular consequence: missense variant.
Genome position (GRCh38, 1-based): chr3:4,453,036, G>A on the plus strand (C>T on the coding strand, the complement: SUMF1 is on the minus strand). VCF-style: chr3-4453036-G-A. GRCh37 (hg19) VCF-style: chr3-4494720-G-A.
Other names: c.284C>T, p.Pro95Leu (NM_001164674.2, NM_001164675.2); c.284C>T (NM_182760.3); short protein forms P95L.
Identifiers: ClinVar variation 2061044 (VCV002061044.2), dbSNP rs199530744, ClinGen allele CA2230645.

ClinVar aggregate classification (germline): Uncertain significance. Review status: criteria provided, multiple submitters, no conflicts (2 of 4 stars). 2 submissions from 2 submitters: Uncertain significance (2). Last evaluated 2025-04-17.

Conditions:
Inborn genetic diseases. Identifiers: MedGen C0950123, MeSH D030342.
Multiple sulfatase deficiency (MSD). Also called: Mucosulfatidosis; Multiple Sulfatase Deficiency Disease; Sulfatidosis, Juvenile, Austin Type. Identifiers: Orphanet 585, MedGen C0268263, MONDO:0010088, OMIM 272200.

Allele frequency attached by ClinVar (database versions not stated): ExAC 0.00001; gnomAD 0.00005; TOPMed 0.00005.

Submissions (2):

Ambry Genetics
Classification: Uncertain significance for Inborn genetic diseases. Last evaluated: 2025-04-17. Review status: criteria provided, single submitter. Criteria: Ambry Variant Classification Scheme 2023. Collection method: clinical testing. Allele origin: germline.

Labcorp Genetics (formerly Invitae), Labcorp
Classification: Uncertain significance for Multiple sulfatase deficiency. Last evaluated: 2022-09-01. Review status: criteria provided, single submitter. Criteria: Invitae Variant Classification Sherloc (09022015). Collection method: clinical testing. Allele origin: germline.
Comment: This sequence change replaces proline, which is neutral and non-polar, with leucine, which is neutral and non-polar, at codon 95 of the SUMF1 protein (p.Pro95Leu). This variant is present in population databases (rs199530744, gnomAD 0.003%). This variant has not been reported in the literature in individuals affected with SUMF1-related conditions. Algorithms developed to predict the effect of missense changes on protein structure and function are either unavailable or do not agree on the potential impact of this missense change (SIFT: "Deleterious"; PolyPhen-2: "Benign"; Align-GVGD: "Class C0"). In summary, the available evidence is currently insufficient to determine the role of this variant in disease. Therefore, it has been classified as a Variant of Uncertain Significance.